The following is an entry in ClinVar:

ClinVar aggregate classification (germline): Likely benign. Review status: criteria provided, multiple submitters, no conflicts (2 of 4 stars). 3 submissions from 3 submitters: Likely benign (2). 1 of the submissions does not count toward it. Last evaluated 2025-07-31.

Conditions:
TERT-related disorder. Also called: TERT-related disorders; TERT-related condition.
Idiopathic Pulmonary Fibrosis. Also called: Idiopathic fibrosing alveolitis, chronic form; idiopathic fibrosing alveolitis. Identifiers: Orphanet 2032, MedGen C1800706, MeSH D054990, MONDO:0800504.
Dyskeratosis congenita, autosomal dominant 2. Identifiers: MedGen C3151443, MONDO:0013521, OMIM 613989.
Dyskeratosis congenita. Identifiers: Orphanet 1775, MedGen C0265965, MONDO:0015780.

Allele frequency attached by ClinVar (database versions not stated): TOPMed below 0.00001.

Submissions (3):

Labcorp Genetics (formerly Invitae), Labcorp
Classification: Likely benign for Dyskeratosis congenita, autosomal dominant 2; Idiopathic Pulmonary Fibrosis. Last evaluated: 2025-07-31. Review status: criteria provided, single submitter. Criteria: Invitae Variant Classification Sherloc (09022015). Collection method: clinical testing. Allele origin: germline.

Ambry Genetics
Classification: Likely benign for Dyskeratosis congenita. Last evaluated: 2023-02-09. Review status: criteria provided, single submitter. Criteria: Ambry Variant Classification Scheme 2023. Collection method: clinical testing. Allele origin: germline.

PreventionGenetics, part of Exact Sciences
Classification: Likely benign for TERT-related condition. Last evaluated: 2022-12-21. Review status: no assertion criteria provided. Collection method: clinical testing. Allele origin: germline. Not counted in ClinVar's aggregate classification.
Comment: This variant is classified as likely benign based on ACMG/AMP sequence variant interpretation guidelines (Richards et al. 2015 PMID: 25741868, with internal and published modifications).

NM_198253.3(TERT):c.3138C>T (p.Ile1046=)

Gene: TERT (telomerase reverse transcriptase; minus strand). Cytogenetic location: 5p15.33.
Variant type: single nucleotide variant.
Coding change: c.3138C>T on transcript NM_198253.3 (MANE Select); coding-DNA position 3138, C replaced by T.
Protein change: p.Ile1046=; no amino-acid change (isoleucine 1046 retained).
Molecular consequence: synonymous variant. On other transcripts: non-coding transcript variant (2).
Genome position (GRCh38, 1-based): chr5:1,255,306, G>A on the plus strand (C>T on the coding strand, the complement: TERT is on the minus strand). VCF-style: chr5-1255306-G-A. GRCh37 (hg19) VCF-style: chr5-1255421-G-A.
Other names: c.2949C>T, p.Ile983= (NM_001193376.3); c.3138C>T (NM_198253.2).
Identifiers: ClinVar variation 1116199 (VCV001116199.13), dbSNP rs1747638242, ClinGen allele CA443020340.
Genomic context (GRCh38, chr5:1,255,306, plus strand): 5'-GGCAGGCACTGCTGCCACTGAGGCCAGGCACCTGCACATACCTGCGTTCTTGGCTTTCAG[G>A]ATGGAGTAGCAGAGGGAGGCCGTGTCAGAGATGACGCGCAGGAAAAATGTGGGGTTCTTC-3'
Protein context (NP_937983.2, residues 1036-1056): ISDTASLCYS[Ile1046=]LKAKNAGMSL